The following is an entry in ClinVar:

ClinVar aggregate classification (germline): Uncertain significance (1 of 4 stars; one submission).

Allele frequency attached by ClinVar (database versions not stated): gnomAD exomes below 0.00001; gnomAD 0.00001; 1000 Genomes Project 30x 0.00016; 1000 Genomes Project 0.00020.
gnomAD v4.1: 2 of 1,613,826 alleles (0.00012%); highest among the groups gnomAD compares: African/African-American, 0.0013%; no homozygotes.

Submission:

Labcorp Genetics (formerly Invitae), Labcorp
Classification: Uncertain significance. Last evaluated: 2021-06-19. Review status: criteria provided, single submitter. Criteria: Invitae Variant Classification Sherloc (09022015). Collection method: clinical testing. Allele origin: germline.
Comment: In summary, the available evidence is currently insufficient to determine the role of this variant in disease. Therefore, it has been classified as a Variant of Uncertain Significance. Advanced modeling of protein sequence and biophysical properties (such as structural, functional, and spatial information, amino acid conservation, physicochemical variation, residue mobility, and thermodynamic stability) performed at Invitae indicates that this missense variant is expected to disrupt ECHS1 protein function. This variant has not been reported in the literature in individuals with ECHS1-related conditions. This variant is not present in population databases (ExAC no frequency). This sequence change replaces isoleucine with threonine at codon 131 of the ECHS1 protein (p.Ile131Thr). The isoleucine residue is highly conserved and there is a moderate physicochemical difference between isoleucine and threonine.

NM_004092.4(ECHS1):c.392T>C (p.Ile131Thr)

Gene: ECHS1 (enoyl-CoA hydratase, short chain 1; minus strand). Cytogenetic location: 10q26.3.
Variant type: single nucleotide variant.
Coding change: c.392T>C on transcript NM_004092.4 (MANE Select); coding-DNA position 392, T replaced by C.
Protein change: p.Ile131Thr; replaces isoleucine 131 with threonine.
Molecular consequence: missense variant.
Genome position (GRCh38, 1-based): chr10:133,369,926, A>G on the plus strand (T>C on the coding strand, the complement: ECHS1 is on the minus strand). VCF-style: chr10-133369926-A-G. GRCh37 (hg19) VCF-style: chr10-135183430-A-G.
Other names: short protein forms I131T.
Identifiers: ClinVar variation 1352187 (VCV001352187.8), dbSNP rs563600702, ClinGen allele CA216818519.